The following is an entry in ClinVar:

NM_000186.4(CFH):c.2503G>T (p.Val835Leu)

Gene: CFH (complement factor H; plus strand). Cytogenetic location: 1q31.3.
Variant type: single nucleotide variant.
Coding change: c.2503G>T on transcript NM_000186.4 (MANE Select); coding-DNA position 2503, G replaced by T.
Protein change: p.Val835Leu; replaces valine 835 with leucine.
Molecular consequence: missense variant.
Genome position (GRCh38, 1-based): chr1:196,736,913, G>T. VCF-style: chr1-196736913-G-T. GRCh37 (hg19) VCF-style: chr1-196706043-G-T.
Other names: short protein forms V835L.
Identifiers: ClinVar variation 3249247 (VCV003249247.3).

ClinVar aggregate classification (germline): Uncertain significance. Review status: criteria provided, multiple submitters, no conflicts (2 of 4 stars). 3 submissions from 3 submitters: Uncertain significance (2). 1 of the submissions does not count toward it. Last evaluated 2025-10-02.

Conditions:
Retinal dystrophy. Also called: Inherited retinal dystrophy. Identifiers: Orphanet 71862, MedGen C0854723, MeSH D058499, MONDO:0019118, HP:0000556.
Atypical hemolytic-uremic syndrome. Identifiers: Orphanet 2134, MedGen C2931788, MONDO:0016244.

gnomAD v4.1: 2 of 1,611,152 alleles (0.00012%); highest among the groups gnomAD compares: Non-Finnish European, 0.000085%; no homozygotes.

Submissions (3):

Genomenon, Inc
Classification: Uncertain significance for Atypical hemolytic-uremic syndrome. Last evaluated: 2025-10-02. Review status: criteria provided, single submitter. Criteria: Genomenon Sequence Variant Interpretation Standards - Updated. Collection method: curation. Allele origin: germline. Affected: yes.
Comment: CFH p.Val835Leu (c.2503G>T) is a missense variant that changes the amino acid at residue 835 from Valine to Leucine. This variant has been observed in at least one proband affected with atypical hemolytic-uremic syndrome (PMID:20059470). Functional studies have been reported (PMID:34189567). It is absent or not present at a significant frequency in gnomAD. In silico models agree that this variant is not damaging. In conclusion, we classify CFH p.Val835Leu (c.2503G>T) as a variant of uncertain significance.

Labcorp Genetics (formerly Invitae), Labcorp
Classification: Uncertain significance. Last evaluated: 2025-09-09. Review status: criteria provided, single submitter. Criteria: Invitae Variant Classification Sherloc (09022015). Collection method: clinical testing. Allele origin: germline.
Comment: This sequence change replaces valine, which is neutral and non-polar, with leucine, which is neutral and non-polar, at codon 835 of the CFH protein (p.Val835Leu). The frequency data for this variant in the population databases is considered unreliable, as metrics indicate poor data quality at this position in the gnomAD database. This missense change has been observed in individual(s) with atypical hemolytic uremic syndrome (PMID: 16968692). ClinVar contains an entry for this variant (Variation ID: 3249247). An algorithm developed to predict the effect of missense changes on protein structure and function (PolyPhen-2) suggests that this variant is likely to be tolerated. In summary, the available evidence is currently insufficient to determine the role of this variant in disease. Therefore, it has been classified as a Variant of Uncertain Significance.

Institute of Human Genetics, Univ. Regensburg, Univ. Regensburg
Classification: Uncertain significance for Retinal dystrophy. Last evaluated: 2022-01-01. Review status: no assertion criteria provided. Criteria: ACMG Guidelines, 2015. Collection method: clinical testing. Allele origin: germline. Affected: yes. Not counted in ClinVar's aggregate classification.

Literature cited by the submitters: PubMed 20059470 (cited by Genomenon, Inc); PubMed 34189567 (cited by Genomenon, Inc); PubMed 16968692 (cited by Labcorp Genetics (formerly Invitae), Labcorp).